The following is an entry in ClinVar:

ClinVar aggregate classification (germline): Likely benign (0 of 4 stars; one submission).

Conditions:
CNTN3-related disorder. Also called: CNTN3-related condition.

Allele frequency attached by ClinVar (database versions not stated): TOPMed 0.00006; gnomAD exomes 0.00031; gnomAD 0.00054; ExAC 0.00069.
gnomAD v4.1: 537 of 1,612,860 alleles (0.033%); highest among the groups gnomAD compares: Middle Eastern, 0.017%; 1 homozygote.

Submission:

PreventionGenetics, part of Exact Sciences
Classification: Likely benign for CNTN3-related condition. Last evaluated: 2019-10-28. Review status: no assertion criteria provided. Collection method: clinical testing. Allele origin: germline.
Comment: This variant is classified as likely benign based on ACMG/AMP sequence variant interpretation guidelines (Richards et al. 2015 PMID: 25741868, with internal and published modifications).

NM_020872.3(CNTN3):c.1462G>A (p.Ala488Thr)

Gene: CNTN3 (contactin 3; minus strand). Cytogenetic location: 3p12.3.
Variant type: single nucleotide variant.
Coding change: c.1462G>A on transcript NM_020872.3 (MANE Select); coding-DNA position 1462, G replaced by A.
Protein change: p.Ala488Thr; replaces alanine 488 with threonine.
Molecular consequence: missense variant.
Genome position (GRCh38, 1-based): chr3:74,336,561, C>T on the plus strand (G>A on the coding strand, the complement: CNTN3 is on the minus strand). VCF-style: chr3-74336561-C-T. GRCh37 (hg19) VCF-style: chr3-74385712-C-T.
Other names: c.1462G>A, p.Ala488Thr (NM_001393376.1); short protein forms A488T.
Identifiers: ClinVar variation 3041746 (VCV003041746.2), dbSNP rs200992823, ClinGen allele CA2495234.